The following is an entry in ClinVar:

NM_178452.6(DNAAF1):c.179G>C (p.Ser60Thr)

Gene: DNAAF1 (dynein axonemal assembly factor 1; plus strand). Cytogenetic location: 16q24.1.
Variant type: single nucleotide variant.
Coding change: c.179G>C on transcript NM_178452.6 (MANE Select); coding-DNA position 179, G replaced by C.
Protein change: p.Ser60Thr; replaces serine 60 with threonine.
Molecular consequence: missense variant.
Genome position (GRCh38, 1-based): chr16:84,149,061, G>C. VCF-style: chr16-84149061-G-C. GRCh37 (hg19) VCF-style: chr16-84182666-G-C.
Other names: short protein forms S60T.
Identifiers: ClinVar variation 661310 (VCV000661310.4), dbSNP rs1597397944, ClinGen allele CA396940038.
Genomic context (GRCh38, chr16:84,149,061, plus strand): 5'-TTACAGAAATTAATGATCCTAAGGAAATATGTGTGGGTTCTTCTGACACATCCTACCACA[G>C]CCAGCAGAAACAGAGTGGTGATAATGGGTCAGGTGGTCACTTCGCACACCCAAGAGAAGA-3'
Protein context (NP_848547.4, residues 50-70): CVGSSDTSYH[Ser60Thr]QQKQSGDNGS

ClinVar aggregate classification (germline): Uncertain significance (1 of 4 stars; one submission).

Conditions:
Primary ciliary dyskinesia. Also called: Ciliary dyskinesia. Identifiers: Orphanet 244, MedGen C0008780, MONDO:0016575, HP:0012265.

Submission:

Labcorp Genetics (formerly Invitae), Labcorp
Classification: Uncertain significance for Primary ciliary dyskinesia. Last evaluated: 2023-05-22. Review status: criteria provided, single submitter. Criteria: Invitae Variant Classification Sherloc (09022015). Collection method: clinical testing. Allele origin: germline.
Comment: In summary, the available evidence is currently insufficient to determine the role of this variant in disease. Therefore, it has been classified as a Variant of Uncertain Significance. An algorithm developed to predict the effect of missense changes on protein structure and function (PolyPhen-2) suggests that this variant is likely to be tolerated. ClinVar contains an entry for this variant (Variation ID: 661310). This variant has not been reported in the literature in individuals affected with DNAAF1-related conditions. This variant is not present in population databases (gnomAD no frequency). This sequence change replaces serine, which is neutral and polar, with threonine, which is neutral and polar, at codon 60 of the DNAAF1 protein (p.Ser60Thr).